The following is an entry in ClinVar:

ClinVar aggregate classification (germline): Uncertain significance. Review status: reviewed by expert panel (3 of 4 stars). 4 submissions from 4 submitters: Uncertain significance (1). 3 of the submissions do not count toward it. Last evaluated 2026-06-23.

Conditions:
Hereditary cancer-predisposing syndrome. Also called: Tumor predisposition; Hereditary neoplastic syndrome; Neoplastic Syndromes, Hereditary; Hereditary Cancer Syndrome. Identifiers: Orphanet 140162, MedGen C0027672, MeSH D009386, MONDO:0015356.
DICER1-related tumor predisposition. Also called: DICER1-related pleuropulmonary blastoma cancer predisposition syndrome; DICER1 syndrome. Identifiers: Orphanet 284343, MedGen C3839822, MONDO:0100216.

Allele frequency attached by ClinVar (database versions not stated): gnomAD exomes 0.00001; ESP Exome Variant Server 0.00008; ExAC 0.00001; TOPMed 0.00002; gnomAD 0.00001.
gnomAD v4.1: 17 of 1,614,006 alleles (0.0011%); highest among the groups gnomAD compares: Middle Eastern, 0.033%; no homozygotes.

Submissions (4):

ClinGen DICER1 and miRNA-Processing Gene Variant Curation Expert Panel, ClinGen
Classification: Uncertain significance for DICER1-related tumor predisposition. Last evaluated: 2026-06-23. Review status: reviewed by expert panel. Criteria: ClinGen DICER1 ACMG Specifications DICER1 V1.4.0. Collection method: curation. Allele origin: germline. Inheritance: Autosomal dominant inheritance.
Comment: The NM_177438.2:c.4423A>G variant in DICER1 is a missense variant predicted to replace threonine with alanine at codon 1475 (p.Thr1475Ala). This variant has been seen in 10 or more unrelated females without tumors through age 50 in at least one testing laboratory (BS2_Supporting; Internal lab contributors). The total allele frequency in gnomAD v4.1.1 is 0.00001053 (17/1614006 alleles) with a highest population minor allele frequency of 0.0003287 (2/6084 alleles) in the Middle Eastern population and with multiple alleles present in the East Asian and European non-Finnish populations (PM2_Supporting, BS1, and BA1 are not met). In silico tools predict no damaging impact of the variant on protein function (REVEL: 0.058; MaxEntScan and SpliceAI: no effect on splicing) (BP4). Though this variant meets the criteria to be classified as Likely Benign for DICER1-related tumor predisposition based on the ACMG/AMP criteria applied (BS2_Supporting, BP4), the ClinGen DICER1 VCEP has decided to override classification to Uncertain Significance due to the potential observation of ciliary body medulloepithelioma (a high-specificity phenotype) in a proband with limited available clinical data. (Bayesian Points: -2; VCEP specifications version 1.4.0. 06/23/2026)

Labcorp Genetics (formerly Invitae), Labcorp
Classification: Uncertain significance for DICER1-related tumor predisposition. Last evaluated: 2026-01-04. Review status: criteria provided, single submitter. Criteria: Invitae Variant Classification Sherloc (09022015). Collection method: clinical testing. Allele origin: germline. Not counted in ClinVar's aggregate classification.
Comment: This sequence change replaces threonine, which is neutral and polar, with alanine, which is neutral and non-polar, at codon 1475 of the DICER1 protein (p.Thr1475Ala). This variant is present in population databases (rs150883389, gnomAD 0.0009%). This variant has not been reported in the literature in individuals affected with DICER1-related conditions. ClinVar contains an entry for this variant (Variation ID: 477204). Invitae Evidence Modeling of protein sequence and biophysical properties (such as structural, functional, and spatial information, amino acid conservation, physicochemical variation, residue mobility, and thermodynamic stability) indicates that this missense variant is not expected to disrupt DICER1 protein function with a negative predictive value of 95%. In summary, the available evidence is currently insufficient to determine the role of this variant in disease. Therefore, it has been classified as a Variant of Uncertain Significance.

Ambry Genetics
Classification: Uncertain significance for Hereditary cancer-predisposing syndrome. Last evaluated: 2024-07-11. Review status: criteria provided, single submitter. Criteria: Ambry Variant Classification Scheme 2023. Collection method: clinical testing. Allele origin: germline. Not counted in ClinVar's aggregate classification.
Comment: The p.T1475A variant (also known as c.4423A>G), located in coding exon 22 of the DICER1 gene, results from an A to G substitution at nucleotide position 4423. The threonine at codon 1475 is replaced by alanine, an amino acid with similar properties. This amino acid position is not well conserved in available vertebrate species. In addition, this alteration is predicted to be tolerated by in silico analysis. Since supporting evidence is limited at this time, the clinical significance of this alteration remains unclear.

Sema4
Classification: Uncertain significance for Hereditary cancer-predisposing syndrome. Last evaluated: 2022-02-15. Review status: criteria provided, single submitter. Criteria: Sema4 Curation Guidelines. Collection method: curation. Allele origin: germline. Not counted in ClinVar's aggregate classification.
Comment: The DICER1 c.4423A>G (p.T1475A) variant has not been reported in the literature to our knowledge. This variant was observed in 1/16240 chromosomes in the African/African American population according to the Genome Aggregation Database (PMID: 32461654). The variant has been reported in ClinVar (Variation ID: 477204). In silico tools suggest the impact of the variant on protein function is benign, though these predictions have not been confirmed by functional studies. The evidence is insufficient to meet ACMG/AMP criteria for classifying the variant as benign or pathogenic. Thus, the clinical significance of this variant is currently uncertain.

NM_177438.3(DICER1):c.4423A>G (p.Thr1475Ala)

Gene: DICER1 (dicer 1, ribonuclease III; minus strand). Cytogenetic location: 14q32.13.
Variant type: single nucleotide variant.
Coding change: c.4423A>G on transcript NM_177438.3 (MANE Select); coding-DNA position 4423, A replaced by G.
Protein change: p.Thr1475Ala; replaces threonine 1475 with alanine.
Molecular consequence: missense variant.
Genome position (GRCh38, 1-based): chr14:95,096,497, T>C on the plus strand (A>G on the coding strand, the complement: DICER1 is on the minus strand). VCF-style: chr14-95096497-T-C. GRCh37 (hg19) VCF-style: chr14-95562834-T-C.
Other names: NM_177438.3(DICER1):c.4423A>G; p.Thr1475Ala; c.4423A>G, p.Thr1475Ala (NM_001195573.1, NM_001271282.3, NM_001291628.2 and 1 more transcripts); short protein forms T1475A.
Identifiers: ClinVar variation 477204 (VCV000477204.18), dbSNP rs150883389, ClinGen allele CA7330848.
Genomic context (GRCh38, chr14:95,096,497, plus strand): 5'-AAAATGGCATACTACCTAAGGAGGATTTTTTGGGCATTTTCCATTCATATGCAGAATCAG[T>C]GGTTGAAAAAGGAGAAAGAGAGATTTTCTTTACAAAAGCTCCTGACCCCATTAACATATT-3'
Protein context (NP_803187.1, residues 1465-1485): KKISLSPFST[Thr1475Ala]DSAYEWKMPK